The following is an entry in ClinVar:

NM_001734.5(C1S):c.1186G>A (p.Gly396Arg)

Gene: C1S (complement C1s; plus strand). Cytogenetic location: 12p13.31.
Variant type: single nucleotide variant.
Coding change: c.1186G>A on transcript NM_001734.5 (MANE Select); coding-DNA position 1186, G replaced by A.
Protein change: p.Gly396Arg; replaces glycine 396 with arginine.
Molecular consequence: missense variant.
Genome position (GRCh38, 1-based): chr12:7,067,762, G>A. VCF-style: chr12-7067762-G-A. GRCh37 (hg19) VCF-style: chr12-7175066-G-A.
Other names: c.685G>A, p.Gly229Arg (NM_001346850.2); c.1186G>A, p.Gly396Arg (NM_201442.4); short protein forms G229R, G396R.
Identifiers: ClinVar variation 3696204 (VCV003696204.2).

ClinVar aggregate classification (germline): Uncertain significance (1 of 4 stars; one submission).

gnomAD v4.1: 1 of 1,613,876 alleles (0.000062%); highest among the groups gnomAD compares: Non-Finnish European, 0.000085%; no homozygotes.

Submission:

Labcorp Genetics (formerly Invitae), Labcorp
Classification: Uncertain significance. Last evaluated: 2024-10-06. Review status: criteria provided, single submitter. Criteria: Invitae Variant Classification Sherloc (09022015). Collection method: clinical testing. Allele origin: germline.
Comment: This sequence change replaces glycine, which is neutral and non-polar, with arginine, which is basic and polar, at codon 396 of the C1S protein (p.Gly396Arg). This variant is not present in population databases (gnomAD no frequency). This variant has not been reported in the literature in individuals affected with C1S-related conditions. An algorithm developed to predict the effect of missense changes on protein structure and function (PolyPhen-2) suggests that this variant is likely to be tolerated. In summary, the available evidence is currently insufficient to determine the role of this variant in disease. Therefore, it has been classified as a Variant of Uncertain Significance.